The following is an entry in ClinVar:

NM_000439.5(PCSK1):c.1460T>C (p.Ile487Thr)

Genes: CAST (calpastatin; plus strand), PCSK1 (proprotein convertase subtilisin/kexin type 1; minus strand), LOC101929710 (uncharacterized LOC101929710; plus strand). Cytogenetic location: 5q15.
Variant type: single nucleotide variant.
Coding change: c.1460T>C on transcript NM_000439.5 (MANE Select); coding-DNA position 1460, T replaced by C.
Protein change: p.Ile487Thr; replaces isoleucine 487 with threonine.
Molecular consequence: missense variant. On other transcripts: intron variant (11).
Genome position (GRCh38, 1-based): chr5:96,399,007, A>G on the plus strand (T>C on the coding strand, the complement: PCSK1 is on the minus strand). VCF-style: chr5-96399007-A-G. GRCh37 (hg19) VCF-style: chr5-95734711-A-G.
Other names: c.1319T>C, p.Ile440Thr (NM_001177875.2); c.-175+19355A>G (NM_001423254.1, NM_001423259.1, NM_001423255.1 and 6 more transcripts); c.-103+19355A>G (NM_001423253.1); c.-40+19355A>G (NM_001423258.1); short protein forms I440T, I487T.
Identifiers: ClinVar variation 4977850 (VCV004977850.1).

ClinVar aggregate classification (germline): Uncertain significance (1 of 4 stars; one submission).

Conditions:
PCSK1-related disorder. Also called: PCSK1-related condition.

gnomAD v4.1: 9 of 1,612,546 alleles (0.00056%); highest among the groups gnomAD compares: Admixed American, 0.0033%; no homozygotes.

Submission:

PreventionGenetics, part of Exact Sciences
Classification: Uncertain significance for PCSK1-related condition. Last evaluated: 2026-07-20. Review status: criteria provided, single submitter. Criteria: ACMG Guidelines, 2015. Collection method: clinical testing. Allele origin: germline.
Comment: The PCSK1 c.1460T>C variant is predicted to result in the amino acid substitution p.Ile487Thr. This variant was observed in a cohort of individuals with obesity, and in vitro functional studies showed strong evidence of loss of function (Supplemental Data Set, Shah et al. 2023. PubMed ID: 36864747; Folon et al. 2023. PubMed ID: 36822744). This variant is reported in 0.0085% of alleles in individuals of Latino descent in gnomAD. Although we suspect that this variant may be pathogenic, at this time, the clinical significance of this variant is uncertain due to the absence of conclusive functional and genetic evidence.